The following is an entry in ClinVar:

ClinVar aggregate classification (germline): Uncertain significance. Review status: criteria provided, single submitter (1 of 4 stars). 2 submissions from 2 submitters: Uncertain significance (1). 1 of the submissions does not count toward it. Last evaluated 2018-05-29.

Conditions:
Nemaline myopathy 2 (NEM2). Also called: Nemaline myopathy 2, autosomal recessive. Identifiers: MedGen C1850569, MONDO:0009725, OMIM 256030.

Submissions (2):

Labcorp Genetics (formerly Invitae), Labcorp
Classification: Uncertain significance for Nemaline myopathy 2. Last evaluated: 2018-05-29. Review status: criteria provided, single submitter. Criteria: Invitae Variant Classification Sherloc (09022015). Collection method: clinical testing. Allele origin: germline.
Comment: This variant occurs in a region of NEB (Exons 82-105) consisting of three highly homologous 8-exon repeat units (exons 82-89, exons 90-97, exons 98-105). Sequence variants in this region can be detected, but this assay cannot determine which of the three repeat units is affected, and zygosity is often ambiguous. All variants in this region are reported relative to the exon 82-89 repeat. This variant has not been reported in the literature in individuals with NEB-related disease. Algorithms developed to predict the effect of sequence changes on RNA splicing suggest that this variant may disrupt the consensus splice site, but this prediction has not been confirmed by published transcriptional studies. In summary, the available evidence is currently insufficient to determine the role of this variant in disease. Therefore, it has been classified as a Variant of Uncertain Significance.

Natera, Inc.
Classification: Uncertain significance for Nemaline myopathy type 2. Last evaluated: 2020-01-17. Review status: no assertion criteria provided. Collection method: clinical testing. Allele origin: germline. Not counted in ClinVar's aggregate classification.

NM_001164508.2(NEB):c.13369-14CT[2]

Gene: NEB (nebulin; minus strand). Cytogenetic location: 2q23.3.
Variant type: Microsatellite.
Coding change: c.13369-14CT[2] on transcript NM_001164508.2 (MANE Select); two copies in a row of the 2-base unit CT starting at c.13369-14; the reference has three copies in a row; one copy, 2 bases deleted.
Molecular consequence: intron variant.
Genome position (GRCh38, 1-based): chr2:151,602,017-151,602,018, AG deleted on the plus strand (CT on the coding strand, the reverse complement: NEB is on the minus strand); deleting any 2 consecutive bases within chr2:151,602,017-151,602,022 gives the same sequence; the position shown is the placement nearest the transcript's 3' end. VCF-style (leftmost placement, unchanged base first): chr2-151602016-CAG-C. GRCh37 (hg19) VCF-style: chr2-152458530-CAG-C.
Other names: c.13369-10_13369-9delCT (NM_001271208.2); c.11601+7787CT[2] (NM_004543.5); c.13369-14CT[2] (NM_001164507.2, NM_001271208.2).
Identifiers: ClinVar variation 465478 (VCV000465478.5), dbSNP rs1553865749, ClinGen allele CA658657087.